The following is an entry in ClinVar:

ClinVar aggregate classification (germline): Likely benign (1 of 4 stars; one submission).

gnomAD v4.1: 1 of 1,607,064 alleles (0.000062%); highest among the groups gnomAD compares: Non-Finnish European, 0.000085%; no homozygotes.

Submission:

CeGaT Center for Human Genetics Tuebingen
Classification: Likely benign. Last evaluated: 2026-01-01. Review status: criteria provided, single submitter. Criteria: CeGaT Center For Human Genetics Tuebingen Variant Classification Criteria Version 2. Collection method: clinical testing. Allele origin: germline. Affected: yes. Observed: 1 variant allele.
Comment: KNL1: BP4, BP7

NM_144508.5(KNL1):c.336G>A (p.Leu112=)

Gene: KNL1 (kinetochore scaffold 1; plus strand). Cytogenetic location: 15q15.1.
Variant type: single nucleotide variant.
Coding change: c.336G>A on transcript NM_144508.5 (MANE Select); coding-DNA position 336, G replaced by A.
Protein change: p.Leu112=; no amino-acid change (leucine 112 retained).
Molecular consequence: synonymous variant.
Genome position (GRCh38, 1-based): chr15:40,618,972, G>A. VCF-style: chr15-40618972-G-A. GRCh37 (hg19) VCF-style: chr15-40911170-G-A.
Other names: c.414G>A, p.Leu138= (NM_170589.5).
Identifiers: ClinVar variation 4822941 (VCV004822941.4).